The following is an entry in ClinVar:

NM_001318852.2(MAPK8IP3):c.2949G>A (p.Val983=)

Gene: MAPK8IP3 (mitogen-activated protein kinase 8 interacting protein 3; plus strand). Cytogenetic location: 16p13.3.
Variant type: single nucleotide variant.
Coding change: c.2949G>A on transcript NM_001318852.2 (MANE Select); coding-DNA position 2949, G replaced by A.
Protein change: p.Val983=; no amino-acid change (valine 983 retained).
Molecular consequence: synonymous variant.
Genome position (GRCh38, 1-based): chr16:1,766,732, G>A. VCF-style: chr16-1766732-G-A. GRCh37 (hg19) VCF-style: chr16-1816733-G-A.
Other names: c.2928G>A, p.Val976= (NM_001040439.2); c.2946G>A, p.Val982= (NM_015133.5, NM_033392.3).
Identifiers: ClinVar variation 2645930 (VCV002645930.24), dbSNP rs200479942, ClinGen allele CA7817488.

ClinVar aggregate classification (germline): Likely benign (1 of 4 stars; one submission).

Allele frequency attached by ClinVar (database versions not stated): 1000 Genomes Project 30x 0.00016; 1000 Genomes Project 0.00020; gnomAD exomes 0.00080; gnomAD 0.00110; ESP Exome Variant Server 0.00120; TOPMed 0.00121; ExAC 0.00142.
gnomAD v4.1: 1,448 of 1,612,840 alleles (0.09%); highest among the groups gnomAD compares: Middle Eastern, 0.21%; 24 homozygotes.

Submission:

CeGaT Center for Human Genetics Tuebingen
Classification: Likely benign. Last evaluated: 2026-08-01. Review status: criteria provided, single submitter. Criteria: CeGaT Center For Human Genetics Tuebingen Variant Classification Criteria Version 2. Collection method: clinical testing. Allele origin: germline. Affected: yes. Observed: 5 variant alleles.
Comment: MAPK8IP3: BP4, BP7, BS1